The following is an entry in ClinVar:

NM_014254.3(RXYLT1):c.698G>A (p.Trp233Ter)

Gene: RXYLT1 (ribitol xylosyltransferase 1; plus strand). Cytogenetic location: 12q14.2.
Variant type: single nucleotide variant.
Coding change: c.698G>A on transcript NM_014254.3 (MANE Select); coding-DNA position 698, G replaced by A.
Protein change: p.Trp233Ter; replaces tryptophan 233 with a stop codon.
Molecular consequence: nonsense. On other transcripts: 5 prime UTR variant (1).
Genome position (GRCh38, 1-based): chr12:63,802,360, G>A. VCF-style: chr12-63802360-G-A. GRCh37 (hg19) VCF-style: chr12-64196140-G-A.
Other names: c.-83G>A (NM_001278237.2); short protein forms W233*.
Identifiers: ClinVar variation 1380332 (VCV001380332.8), dbSNP rs2136231809, ClinGen allele CA385658209.

ClinVar aggregate classification (germline): Pathogenic/Likely pathogenic. Review status: criteria provided, multiple submitters, no conflicts (2 of 4 stars). 2 submissions from 2 submitters: Pathogenic (1); Likely pathogenic (1). Last evaluated 2026-01-13.

Submissions (2):

Dasa
Classification: Likely pathogenic. Last evaluated: 2026-01-13. Review status: criteria provided, single submitter. Criteria: DASA Assertion Criteria. Collection method: clinical testing. Allele origin: germline.
Comment: NM_014254.3(RXYLT1):c.698G>A (p.Trp233*) is a nonsense variant in RXYLT1 predicted to introduce a premature termination codon and is predicted to result in an absent or altered protein product. Loss of function is an established disease mechanism for RXYLT1-associated disorders. Also, this variant is rare in population databases. Based on the currently available evidence, this variant is classified as likely pathogenic.

Labcorp Genetics (formerly Invitae), Labcorp
Classification: Pathogenic. Last evaluated: 2023-10-31. Review status: criteria provided, single submitter. Criteria: Invitae Variant Classification Sherloc (09022015). Collection method: clinical testing. Allele origin: germline.
Comment: This sequence change creates a premature translational stop signal (p.Trp233*) in the RXYLT1 gene. It is expected to result in an absent or disrupted protein product. Loss-of-function variants in RXYLT1 are known to be pathogenic (PMID: 23217329, 23519211, 31742715). This variant is not present in population databases (gnomAD no frequency). This variant has not been reported in the literature in individuals affected with RXYLT1-related conditions. ClinVar contains an entry for this variant (Variation ID: 1380332). Algorithms developed to predict the effect of sequence changes on RNA splicing suggest that this variant may disrupt the consensus splice site. For these reasons, this variant has been classified as Pathogenic.

Literature cited by the submitters: PubMed 23217329 (cited by Labcorp Genetics (formerly Invitae), Labcorp); PubMed 23519211 (cited by Labcorp Genetics (formerly Invitae), Labcorp); PubMed 31742715 (cited by Labcorp Genetics (formerly Invitae), Labcorp).